The following is an entry in ClinVar:

NM_001127222.2(CACNA1A):c.3247G>A (p.Gly1083Ser)

Gene: CACNA1A (calcium voltage-gated channel subunit alpha1 A; minus strand). Cytogenetic location: 19p13.13.
Variant type: single nucleotide variant.
Coding change: c.3247G>A on transcript NM_001127222.2 (MANE Select); coding-DNA position 3247, G replaced by A.
Protein change: p.Gly1083Ser; replaces glycine 1083 with serine.
Molecular consequence: missense variant.
Genome position (GRCh38, 1-based): chr19:13,286,809, C>T on the plus strand (G>A on the coding strand, the complement: CACNA1A is on the minus strand). VCF-style: chr19-13286809-C-T. GRCh37 (hg19) VCF-style: chr19-13397623-C-T.
Other names: c.3259G>A, p.Gly1087Ser (NM_000068.4, NM_023035.3); c.3250G>A, p.Gly1084Ser (NM_001127221.2, NM_001174080.2); short protein forms G1084S, G1083S, G1087S.
Identifiers: ClinVar variation 589474 (VCV000589474.11), dbSNP rs753077104, ClinGen allele CA9240377.

ClinVar aggregate classification (germline): Conflicting classifications of pathogenicity. Review status: criteria provided, conflicting classifications (1 of 4 stars). 2 submissions from 2 submitters: Uncertain significance (1); Likely benign (1). Last evaluated 2022-03-22.

Conditions:
Developmental and epileptic encephalopathy, 42 (DEE42A). Also called: DEVELOPMENTAL AND EPILEPTIC ENCEPHALOPATHY 42A; EPILEPTIC ENCEPHALOPATHY, EARLY INFANTILE, 42A; Epileptic encephalopathy, early infantile, 42. Identifiers: MedGen C4310716, MONDO:0014917, OMIM 617106.
Episodic ataxia type 2 (EA2). Also called: ACETAZOLAMIDE-RESPONSIVE HEREDITARY PAROXYSMAL CEREBELLAR ATAXIA; ATAXIA, EPISODIC, WITH NYSTAGMUS; ATAXIA, FAMILIAL PAROXYSMAL; CEREBELLAR ATAXIA, PAROXYSMAL, ACETAZOLAMIDE-RESPONSIVE; CEREBELLOPATHY, HEREDITARY PAROXYSMAL; EPISODIC ATAXIA, NYSTAGMUS-ASSOCIATED. Identifiers: Orphanet 97, MedGen C1720416, MONDO:0007163, OMIM 108500.
Inborn genetic diseases. Identifiers: MedGen C0950123, MeSH D030342.

Allele frequency attached by ClinVar (database versions not stated): TOPMed below 0.00001; ExAC 0.00001; gnomAD 0.00001; gnomAD exomes 0.00001.

Submissions (2):

Labcorp Genetics (formerly Invitae), Labcorp
Classification: Likely benign for Developmental and epileptic encephalopathy, 42; Episodic ataxia type 2. Last evaluated: 2022-03-22. Review status: criteria provided, single submitter. Criteria: Invitae Variant Classification Sherloc (09022015). Collection method: clinical testing. Allele origin: germline.

Ambry Genetics
Classification: Uncertain significance for Inborn genetic diseases. Last evaluated: 2016-12-19. Review status: criteria provided, single submitter. Criteria: Ambry Variant Classification Scheme 2023. Collection method: clinical testing. Allele origin: germline.
Comment: The p.G1084S variant (also known as c.3250G>A), located in coding exon 20 of the CACNA1A gene, results from a G to A substitution at nucleotide position 3250. The glycine at codon 1084 is replaced by serine, an amino acid with similar properties. This amino acid position is not well conserved in available vertebrate species. In addition, this alteration is predicted to be tolerated by in silico analysis. Since supporting evidence is limited at this time, the clinical significance of this variant remains unclear.